The following is an entry in ClinVar:

ClinVar aggregate classification (germline): Uncertain significance (1 of 4 stars; one submission).

gnomAD v4.1: 1 of 1,614,252 alleles (0.000062%); highest among the groups gnomAD compares: Non-Finnish European, 0.000085%; no homozygotes.

Submission:

CeGaT Center for Human Genetics Tuebingen
Classification: Uncertain significance. Last evaluated: 2025-01-01. Review status: criteria provided, single submitter. Criteria: CeGaT Center For Human Genetics Tuebingen Variant Classification Criteria Version 2. Collection method: clinical testing. Allele origin: germline. Affected: yes. Observed: 1 variant allele.
Comment: SRRM2: PM2, BP4

NM_016333.4(SRRM2):c.6173C>G (p.Thr2058Ser)

Gene: SRRM2 (serine/arginine repetitive matrix 2; plus strand). Cytogenetic location: 16p13.3.
Variant type: single nucleotide variant.
Coding change: c.6173C>G on transcript NM_016333.4 (MANE Select); coding-DNA position 6173, C replaced by G.
Protein change: p.Thr2058Ser; replaces threonine 2058 with serine.
Molecular consequence: missense variant.
Genome position (GRCh38, 1-based): chr16:2,766,701, C>G. VCF-style: chr16-2766701-C-G. GRCh37 (hg19) VCF-style: chr16-2816702-C-G.
Other names: short protein forms T2058S.
Identifiers: ClinVar variation 3771035 (VCV003771035.13).